The following is an entry in ClinVar:

NM_000203.5(IDUA):c.1112T>A (p.Val371Asp)

Gene: IDUA (alpha-L-iduronidase; plus strand). Cytogenetic location: 4p16.3.
Variant type: single nucleotide variant.
Coding change: c.1112T>A on transcript NM_000203.5 (MANE Select); coding-DNA position 1112, T replaced by A.
Protein change: p.Val371Asp; replaces valine 371 with aspartic acid.
Molecular consequence: missense variant. On other transcripts: non-coding transcript variant (1).
Genome position (GRCh38, 1-based): chr4:1,002,408, T>A. VCF-style: chr4-1002408-T-A. GRCh37 (hg19) VCF-style: chr4-996196-T-A.
Other names: c.716T>A, p.Val239Asp (NM_001363576.1); c.1112T>A (NM_000203.3); short protein forms V239D, V371D.
Identifiers: ClinVar variation 1470032 (VCV001470032.10), dbSNP rs1475290359, ClinGen allele CA355963356.

ClinVar aggregate classification (germline): Uncertain significance. Review status: criteria provided, multiple submitters, no conflicts (2 of 4 stars). 2 submissions from 2 submitters: Uncertain significance (2). Last evaluated 2025-11-13.

Conditions:
Mucopolysaccharidosis type 1. Also called: Mucopolysaccharidosis Type I; IDUA deficiency; MPS I. Identifiers: Orphanet 579, MedGen C0023786, MONDO:0001586.

Allele frequency attached by ClinVar (database versions not stated): gnomAD exomes below 0.00001 and 0.00001; TOPMed below 0.00001.
gnomAD v4.1: 3 of 1,591,070 alleles (0.00019%); highest among the groups gnomAD compares: Admixed American, 0.0036%; no homozygotes.

Submissions (2):

Labcorp Genetics (formerly Invitae), Labcorp
Classification: Uncertain significance for Mucopolysaccharidosis type 1. Last evaluated: 2025-11-13. Review status: criteria provided, single submitter. Criteria: Invitae Variant Classification Sherloc (09022015). Collection method: clinical testing. Allele origin: germline.
Comment: This sequence change replaces valine, which is neutral and non-polar, with aspartic acid, which is acidic and polar, at codon 371 of the IDUA protein (p.Val371Asp). This variant is present in population databases (no rsID available, gnomAD 0.007%). This missense change has been observed in individual(s) with abnormal newborn screen for mucopolysaccharidosis type I (PMID: 28728811). ClinVar contains an entry for this variant (Variation ID: 1470032). Invitae Evidence Modeling of protein sequence and biophysical properties (such as structural, functional, and spatial information, amino acid conservation, physicochemical variation, residue mobility, and thermodynamic stability) has been performed for this missense variant. However, the output from this modeling did not meet the statistical confidence thresholds required to predict the impact of this variant on IDUA protein function. In summary, the available evidence is currently insufficient to determine the role of this variant in disease. Therefore, it has been classified as a Variant of Uncertain Significance.

Revvity Omics, Revvity
Classification: Uncertain significance. Last evaluated: 2020-10-16. Review status: criteria provided, single submitter. Criteria: ACMG Guidelines, 2015. Collection method: clinical testing. Allele origin: germline.

Literature cited by the submitters: PubMed 28728811 (cited by Labcorp Genetics (formerly Invitae), Labcorp).